The following is an entry in ClinVar:

ClinVar aggregate classification (germline): Uncertain significance (1 of 4 stars; one submission).

Conditions:
Cardiovascular phenotype. Identifiers: MedGen CN230736.

Submission:

Ambry Genetics
Classification: Uncertain significance for Cardiovascular phenotype. Last evaluated: 2024-06-03. Review status: criteria provided, single submitter. Criteria: Ambry Variant Classification Scheme 2023. Collection method: clinical testing. Allele origin: germline.
Comment: The p.T249A variant (also known as c.745A>G), located in coding exon 1 of the ALPK3 gene, results from an A to G substitution at nucleotide position 745. The threonine at codon 249 is replaced by alanine, an amino acid with similar properties. This amino acid position is conserved. In addition, this alteration is predicted to be tolerated by in silico analysis. Based on the available evidence, the clinical significance of this variant remains unclear.

NM_020778.5(ALPK3):c.139A>G (p.Thr47Ala)

Gene: ALPK3 (alpha kinase 3; plus strand). Cytogenetic location: 15q25.3.
Variant type: single nucleotide variant.
Coding change: c.139A>G on transcript NM_020778.5 (MANE Select); coding-DNA position 139, A replaced by G.
Protein change: p.Thr47Ala; replaces threonine 47 with alanine.
Molecular consequence: missense variant.
Genome position (GRCh38, 1-based): chr15:84,817,591, A>G. VCF-style: chr15-84817591-A-G. GRCh37 (hg19) VCF-style: chr15-85360822-A-G.
Other names: short protein forms T47A.
Identifiers: ClinVar variation 3291737 (VCV003291737.1).